The following is an entry in ClinVar:

ClinVar aggregate classification (germline): Uncertain significance (1 of 4 stars; one submission).

Conditions:
Deficiency of alpha-mannosidase (MANSA). Also called: Alpha-Mannosidosis; Mannosidosis, alpha-, types I and II; LYSOSOMAL ALPHA-D-MANNOSIDASE DEFICIENCY. Identifiers: Orphanet 61, MedGen C0024748, MONDO:0009561, OMIM 248500.

Allele frequency attached by ClinVar (database versions not stated): gnomAD exomes 0.00001; TOPMed 0.00001; gnomAD 0.00002; ExAC 0.00004; ESP Exome Variant Server 0.00008.
gnomAD v4.1: 23 of 1,614,018 alleles (0.0014%); highest among the groups gnomAD compares: South Asian, 0.011%; 1 homozygote.

Submission:

Labcorp Genetics (formerly Invitae), Labcorp
Classification: Uncertain significance for Deficiency of alpha-mannosidase. Last evaluated: 2023-12-18. Review status: criteria provided, single submitter. Criteria: Invitae Variant Classification Sherloc (09022015). Collection method: clinical testing. Allele origin: germline.
Comment: This sequence change replaces arginine, which is basic and polar, with histidine, which is basic and polar, at codon 283 of the MAN2B1 protein (p.Arg283His). This variant is present in population databases (rs377049583, gnomAD 0.01%). This variant has not been reported in the literature in individuals affected with MAN2B1-related conditions. Advanced modeling of protein sequence and biophysical properties (such as structural, functional, and spatial information, amino acid conservation, physicochemical variation, residue mobility, and thermodynamic stability) performed at Invitae indicates that this missense variant is not expected to disrupt MAN2B1 protein function with a negative predictive value of 95%. In summary, the available evidence is currently insufficient to determine the role of this variant in disease. Therefore, it has been classified as a Variant of Uncertain Significance.

NM_000528.4(MAN2B1):c.848G>A (p.Arg283His)

Gene: MAN2B1 (mannosidase alpha class 2B member 1; minus strand). Cytogenetic location: 19p13.13.
Variant type: single nucleotide variant.
Coding change: c.848G>A on transcript NM_000528.4 (MANE Select); coding-DNA position 848, G replaced by A.
Protein change: p.Arg283His; replaces arginine 283 with histidine.
Molecular consequence: missense variant.
Genome position (GRCh38, 1-based): chr19:12,663,378, C>T on the plus strand (G>A on the coding strand, the complement: MAN2B1 is on the minus strand). VCF-style: chr19-12663378-C-T. GRCh37 (hg19) VCF-style: chr19-12774192-C-T.
Other names: c.848G>A, p.Arg283His (NM_001173498.2); short protein forms R283H.
Identifiers: ClinVar variation 2883028 (VCV002883028.1), dbSNP rs377049583, ClinGen allele CA9226693.